The following is an entry in ClinVar:

ClinVar aggregate classification (germline): Uncertain significance (1 of 4 stars; one submission).

gnomAD v4.1: 1 of 1,613,768 alleles (0.000062%); highest among the groups gnomAD compares: East Asian, 0.0022%; no homozygotes.

Submission:

Labcorp Genetics (formerly Invitae), Labcorp
Classification: Uncertain significance. Last evaluated: 2025-03-18. Review status: criteria provided, single submitter. Criteria: Invitae Variant Classification Sherloc (09022015). Collection method: clinical testing. Allele origin: germline.
Comment: This sequence change replaces glutamine, which is neutral and polar, with leucine, which is neutral and non-polar, at codon 2146 of the CACNA1D protein (p.Gln2146Leu). This variant is present in population databases (no rsID available, gnomAD 0.006%). This variant has not been reported in the literature in individuals affected with CACNA1D-related conditions. An algorithm developed to predict the effect of missense changes on protein structure and function (PolyPhen-2) suggests that this variant is likely to be tolerated. In summary, the available evidence is currently insufficient to determine the role of this variant in disease. Therefore, it has been classified as a Variant of Uncertain Significance.

NM_001128840.3(CACNA1D):c.6377A>T (p.Gln2126Leu)

Gene: CACNA1D (calcium voltage-gated channel subunit alpha1 D; plus strand). Cytogenetic location: 3p21.1.
Variant type: single nucleotide variant.
Coding change: c.6377A>T on transcript NM_001128840.3 (MANE Select); coding-DNA position 6377, A replaced by T.
Protein change: p.Gln2126Leu; replaces glutamine 2126 with leucine.
Molecular consequence: missense variant.
Genome position (GRCh38, 1-based): chr3:53,811,297, A>T. VCF-style: chr3-53811297-A-T. GRCh37 (hg19) VCF-style: chr3-53845324-A-T.
Other names: c.6437A>T, p.Gln2146Leu (NM_000720.4); c.6305A>T, p.Gln2102Leu (NM_001128839.3); short protein forms Q2102L, Q2126L, Q2146L.
Identifiers: ClinVar variation 4806925 (VCV004806925.1).